The following is an entry in ClinVar:

ClinVar aggregate classification (germline): Pathogenic. Review status: criteria provided, multiple submitters, no conflicts (2 of 4 stars). 3 submissions from 3 submitters: Pathogenic (2). 1 of the submissions does not count toward it. Last evaluated 2023-04-07.

Conditions:
Primary ciliary dyskinesia 25 (CILD25). Also called: CILIARY DYSKINESIA, PRIMARY, 25, WITH OR WITHOUT SITUS INVERSUS. Identifiers: Orphanet 244, MedGen C3809641, MONDO:0014203, OMIM 615482.

gnomAD v4.1: 6 of 1,613,980 alleles (0.00037%); highest among the groups gnomAD compares: Non-Finnish European, 0.00042%; no homozygotes.

Submissions (3):

Labcorp Genetics (formerly Invitae), Labcorp
Classification: Pathogenic. Last evaluated: 2023-04-07. Review status: criteria provided, single submitter. Criteria: Invitae Variant Classification Sherloc (09022015). Collection method: clinical testing. Allele origin: germline.
Comment: For these reasons, this variant has been classified as Pathogenic. ClinVar contains an entry for this variant (Variation ID: 68449). This premature translational stop signal has been observed in individual(s) with primary ciliary dyskinesia (PMID: 23872636). This variant is not present in population databases (gnomAD no frequency). This sequence change creates a premature translational stop signal (p.Glu109*) in the DNAAF4 gene. It is expected to result in an absent or disrupted protein product. Loss-of-function variants in DNAAF4 are known to be pathogenic (PMID: 23872636).

GeneDx
Classification: Pathogenic. Last evaluated: 2022-12-12. Review status: criteria provided, single submitter. Criteria: GeneDx Variant Classification Process June 2021. Collection method: clinical testing. Allele origin: germline. Affected: yes.
Comment: Nonsense variant predicted to result in protein truncation or nonsense mediated decay in a gene for which loss of function is a known mechanism of disease; Not observed at significant frequency in large population cohorts (gnomAD); This variant is associated with the following publications: (PMID: 23872636)

OMIM
Classification: Pathogenic for CILIARY DYSKINESIA, PRIMARY, 25. Last evaluated: 2013-09-01. Review status: no assertion criteria provided. Collection method: literature only. Allele origin: germline. Not counted in ClinVar's aggregate classification.

Literature cited by the submitters: PubMed 23872636 (cited by Labcorp Genetics (formerly Invitae), Labcorp and OMIM).

NM_130810.4(DNAAF4):c.325G>T (p.Glu109Ter)

Genes: DNAAF4 (dynein axonemal assembly factor 4; minus strand), DNAAF4-CCPG1 (DNAAF4-CCPG1 readthrough (NMD candidate); minus strand). Cytogenetic location: 15q21.3.
Variant type: single nucleotide variant.
Coding change: c.325G>T on transcript NM_130810.4 (MANE Select); coding-DNA position 325, G replaced by T.
Protein change: p.Glu109Ter; replaces glutamic acid 109 with a stop codon.
Molecular consequence: nonsense. On other transcripts: non-coding transcript variant (1).
Genome position (GRCh38, 1-based): chr15:55,491,203, C>A on the plus strand (G>T on the coding strand, the complement: DNAAF4 is on the minus strand). VCF-style: chr15-55491203-C-A. GRCh37 (hg19) VCF-style: chr15-55783401-C-A.
Other names: c.325G>T, p.Glu109Ter (NM_001033559.3, NM_001033560.2); c.325G>T (NM_130810.3); short protein forms E109*.
Identifiers: ClinVar variation 68449 (VCV000068449.5), dbSNP rs397515622, ClinGen allele CA145167.